The following is an entry in ClinVar:

ClinVar aggregate classification (germline): Uncertain significance (1 of 4 stars; one submission).

Conditions:
Developmental and epileptic encephalopathy. Identifiers: MedGen C5779964, MONDO:0100620.

Submission:

Labcorp Genetics (formerly Invitae), Labcorp
Classification: Uncertain significance for Early-infantile DEE. Last evaluated: 2022-07-26. Review status: criteria provided, single submitter. Criteria: Invitae Variant Classification Sherloc (09022015). Collection method: clinical testing. Allele origin: germline.
Comment: The frequency data for this variant in the population databases is considered unreliable, as metrics indicate poor data quality at this position in the gnomAD database. This sequence change results in a frameshift in the ARHGEF15 gene (p.Pro841Thrfs*53). While this is not anticipated to result in nonsense mediated decay, it is expected to disrupt the last 1 amino acid(s) of the ARHGEF15 protein and extend the protein by 51 additional amino acid residues. This variant has not been reported in the literature in individuals affected with ARHGEF15-related conditions. In summary, the available evidence is currently insufficient to determine the role of this variant in disease. Therefore, it has been classified as a Variant of Uncertain Significance. Experimental studies and prediction algorithms are not available or were not evaluated, and the functional significance of this variant is currently unknown. ClinVar contains an entry for this variant (Variation ID: 461436).

NM_173728.4(ARHGEF15):c.2519dup (p.Pro841fs)

Gene: ARHGEF15 (Rho guanine nucleotide exchange factor 15; plus strand). Cytogenetic location: 17p13.1.
Variant type: Duplication.
Coding change: c.2519dup on transcript NM_173728.4 (MANE Select); coding-DNA position 2519, one base duplicated (C; older notation c.2519dupC).
Protein change: p.Pro841fs; shifts the reading frame from proline 841.
Molecular consequence: frameshift variant.
Genome position (GRCh38, 1-based): chr17:8,320,986, C duplicated; the last of 7 consecutive C bases (chr17:8,320,980-8,320,986); duplicating any one gives the same sequence. VCF-style (leftmost placement, unchanged base first): chr17-8320979-G-GC. GRCh37 (hg19) VCF-style: chr17-8224297-G-GC.
Other names: c.2519dupC (NM_173728.3); c.2519dup, p.Pro841fs (NM_025014.2); short protein forms P841fs.
Identifiers: ClinVar variation 461436 (VCV000461436.10), dbSNP rs769841479, ClinGen allele CA8375552.